The following is an entry in ClinVar:

NM_000017.4(ACADS):c.473-116T>C

Gene: ACADS (acyl-CoA dehydrogenase short chain; plus strand). Cytogenetic location: 12q24.31.
Variant type: single nucleotide variant.
Coding change: c.473-116T>C on transcript NM_000017.4 (MANE Select); 116 bases into the intron before coding-DNA position 473, T replaced by C.
Molecular consequence: intron variant.
Genome position (GRCh38, 1-based): chr12:120,737,721, T>C. VCF-style: chr12-120737721-T-C. GRCh37 (hg19) VCF-style: chr12-121175524-T-C.
Other names: c.472+254T>C (NM_001302554.2).
Identifiers: ClinVar variation 676089 (VCV000676089.2), dbSNP rs2014355, ClinGen allele CA16457528.

ClinVar aggregate classification (germline): Benign. Review status: criteria provided, multiple submitters, no conflicts (2 of 4 stars). 2 submissions from 2 submitters: Benign (2). Last evaluated 2018-06-14.

Allele frequency attached by ClinVar (database versions not stated): 1000 Genomes Project 30x 0.18973; 1000 Genomes Project 0.18990; gnomAD 0.21375 and 0.21710; TOPMed 0.21452; gnomAD exomes 0.25829.
gnomAD v4.1: 373,649 of 1,468,580 alleles (25%); highest among the groups gnomAD compares: Middle Eastern, 36%; 49,942 homozygotes.

Submissions (2):

GeneDx
Classification: Benign. Last evaluated: 2018-06-14. Review status: criteria provided, single submitter. Criteria: GeneDx Variant Classification (06012015). Collection method: clinical testing. Allele origin: germline. Affected: yes.
Comment: This variant is considered likely benign or benign based on one or more of the following criteria: it is a conservative change, it occurs at a poorly conserved position in the protein, it is predicted to be benign by multiple in silico algorithms, and/or has population frequency not consistent with disease.

Breakthrough Genomics
Classification: Benign. Review status: criteria provided, single submitter. Criteria: ACMG Guidelines, 2015. Collection method: not provided. Allele origin: germline. Inheritance: Autosomal recessive inheritance. Affected: yes.